The following is an entry in ClinVar:

ClinVar aggregate classification (germline): Uncertain significance (1 of 4 stars; one submission).

Submission:

GeneDx
Classification: Uncertain significance. Last evaluated: 2024-11-18. Review status: criteria provided, single submitter. Criteria: GeneDx Variant Classification Process June 2021. Collection method: clinical testing. Allele origin: germline. Affected: yes.
Comment: Not observed at significant frequency in large population cohorts (gnomAD); In silico analysis supports that this missense variant has a deleterious effect on protein structure/function; Has not been previously published as pathogenic or benign to our knowledge

NM_170606.3(KMT2C):c.2692G>A (p.Gly898Ser)

Gene: KMT2C (lysine methyltransferase 2C; minus strand). Cytogenetic location: 7q36.1.
Variant type: single nucleotide variant.
Coding change: c.2692G>A on transcript NM_170606.3 (MANE Select); coding-DNA position 2692, G replaced by A.
Protein change: p.Gly898Ser; replaces glycine 898 with serine.
Molecular consequence: missense variant.
Genome position (GRCh38, 1-based): chr7:152,235,894, C>T on the plus strand (G>A on the coding strand, the complement: KMT2C is on the minus strand). VCF-style: chr7-152235894-C-T. GRCh37 (hg19) VCF-style: chr7-151932979-C-T.
Other names: short protein forms G898S.
Identifiers: ClinVar variation 3899588 (VCV003899588.1).